The following is an entry in ClinVar:

NM_002224.4(ITPR3):c.2291T>C (p.Met764Thr)

Gene: ITPR3 (inositol 1,4,5-trisphosphate receptor type 3; plus strand). Cytogenetic location: 6p21.31.
Variant type: single nucleotide variant.
Coding change: c.2291T>C on transcript NM_002224.4 (MANE Select); coding-DNA position 2291, T replaced by C.
Protein change: p.Met764Thr; replaces methionine 764 with threonine.
Molecular consequence: missense variant.
Genome position (GRCh38, 1-based): chr6:33,670,426, T>C. VCF-style: chr6-33670426-T-C. GRCh37 (hg19) VCF-style: chr6-33638203-T-C.
Other names: short protein forms M764T.
Identifiers: ClinVar variation 2718076 (VCV002718076.3), dbSNP rs2533058869, ClinGen allele CA363698516.

ClinVar aggregate classification (germline): Uncertain significance (1 of 4 stars; one submission).

Submission:

Labcorp Genetics (formerly Invitae), Labcorp
Classification: Uncertain significance. Last evaluated: 2023-06-17. Review status: criteria provided, single submitter. Criteria: Invitae Variant Classification Sherloc (09022015). Collection method: clinical testing. Allele origin: germline.
Comment: This sequence change replaces methionine, which is neutral and non-polar, with threonine, which is neutral and polar, at codon 764 of the ITPR3 protein (p.Met764Thr). This variant is not present in population databases (gnomAD no frequency). This variant has not been reported in the literature in individuals affected with ITPR3-related conditions. Advanced modeling of protein sequence and biophysical properties (such as structural, functional, and spatial information, amino acid conservation, physicochemical variation, residue mobility, and thermodynamic stability) performed at Invitae indicates that this missense variant is expected to disrupt ITPR3 protein function. In summary, the available evidence is currently insufficient to determine the role of this variant in disease. Therefore, it has been classified as a Variant of Uncertain Significance.